The following is an entry in ClinVar:

ClinVar aggregate classification (germline): Uncertain significance (1 of 4 stars; one submission).

Submission:

GeneDx
Classification: Uncertain significance. Last evaluated: 2025-05-17. Review status: criteria provided, single submitter. Criteria: GeneDx Variant Classification Process June 2021. Collection method: clinical testing. Allele origin: germline. Affected: yes.
Comment: Not observed at significant frequency in large population cohorts (gnomAD); In silico analysis suggests that this missense variant does not alter protein structure/function; Has not been previously published as pathogenic or benign to our knowledge

NM_001080508.3(TBX18):c.1624G>A (p.Ala542Thr)

Gene: TBX18 (T-box transcription factor 18; minus strand). Cytogenetic location: 6q14.3.
Variant type: single nucleotide variant.
Coding change: c.1624G>A on transcript NM_001080508.3 (MANE Select); coding-DNA position 1624, G replaced by A.
Protein change: p.Ala542Thr; replaces alanine 542 with threonine.
Molecular consequence: missense variant.
Genome position (GRCh38, 1-based): chr6:84,736,885, C>T on the plus strand (G>A on the coding strand, the complement: TBX18 is on the minus strand). VCF-style: chr6-84736885-C-T. GRCh37 (hg19) VCF-style: chr6-85446603-C-T.
Other names: short protein forms A542T.
Identifiers: ClinVar variation 4531023 (VCV004531023.1).